The following is an entry in ClinVar:

NM_130384.3(ATRIP):c.1447C>A (p.Gln483Lys)

Genes: ATRIP (ATR interacting protein; plus strand), ATRIP-TREX1 (ATRIP-TREX1 readthrough; plus strand). Cytogenetic location: 3p21.31.
Variant type: single nucleotide variant.
Coding change: c.1447C>A on transcript NM_130384.3 (MANE Select); coding-DNA position 1447, C replaced by A.
Protein change: p.Gln483Lys; replaces glutamine 483 with lysine.
Molecular consequence: missense variant. On other transcripts: non-coding transcript variant (1).
Genome position (GRCh38, 1-based): chr3:48,460,501, C>A. VCF-style: chr3-48460501-C-A. GRCh37 (hg19) VCF-style: chr3-48501900-C-A.
Other names: c.1066C>A, p.Gln356Lys (NM_001271022.2); c.1168C>A, p.Gln390Lys (NM_001271023.2); c.1447C>A, p.Gln483Lys (NM_032166.4); short protein forms Q390K, Q356K, Q483K.
Identifiers: ClinVar variation 3811025 (VCV003811025.1).

ClinVar aggregate classification (germline): Uncertain significance (1 of 4 stars; one submission).

gnomAD v4.1: 1 of 1,612,486 alleles (0.000062%); highest among the groups gnomAD compares: Non-Finnish European, 0.000085%; no homozygotes.

Submission:

Ambry Genetics
Classification: Uncertain significance. Last evaluated: 2025-02-26. Review status: criteria provided, single submitter. Criteria: Ambry Variant Classification Scheme 2023. Collection method: clinical testing. Allele origin: germline.
Comment: The p.Q483K variant (also known as c.1447C>A), located in coding exon 8 of the ATRIP gene, results from a C to A substitution at nucleotide position 1447. The glutamine at codon 483 is replaced by lysine, an amino acid with similar properties. This amino acid position is conserved. In addition, the in silico prediction for this alteration is inconclusive. Based on the available evidence, the clinical significance of this variant remains unclear.